The following is an entry in ClinVar:

ClinVar aggregate classification (germline): Uncertain significance (1 of 4 stars; one submission).

Conditions:
Ullrich congenital muscular dystrophy 2 (UCMD2). Identifiers: Orphanet 75840, MedGen C4225314, MONDO:0014654, OMIM 616470.
Bethlem myopathy 2 (BTHLM2). Identifiers: Orphanet 536516, Orphanet 610, MedGen C4225313, MONDO:0034022, OMIM 616471.

Submission:

Labcorp Genetics (formerly Invitae), Labcorp
Classification: Uncertain significance for Bethlem myopathy 2; Ullrich congenital muscular dystrophy 2. Last evaluated: 2022-06-20. Review status: criteria provided, single submitter. Criteria: Invitae Variant Classification Sherloc (09022015). Collection method: clinical testing. Allele origin: germline.
Comment: This variant is not present in population databases (gnomAD no frequency). In summary, the available evidence is currently insufficient to determine the role of this variant in disease. Therefore, it has been classified as a Variant of Uncertain Significance. Algorithms developed to predict the effect of missense changes on protein structure and function are either unavailable or do not agree on the potential impact of this missense change (SIFT: "Deleterious"; PolyPhen-2: "Probably Damaging"; Align-GVGD: "Class C0"). This variant has not been reported in the literature in individuals affected with COL12A1-related conditions. This sequence change replaces glycine, which is neutral and non-polar, with aspartic acid, which is acidic and polar, at codon 2792 of the COL12A1 protein (p.Gly2792Asp).

NM_004370.6(COL12A1):c.8375G>A (p.Gly2792Asp)

Gene: COL12A1 (collagen type XII alpha 1 chain; minus strand). Cytogenetic location: 6q13.
Variant type: single nucleotide variant.
Coding change: c.8375G>A on transcript NM_004370.6 (MANE Select); coding-DNA position 8375, G replaced by A.
Protein change: p.Gly2792Asp; replaces glycine 2792 with aspartic acid.
Molecular consequence: missense variant.
Genome position (GRCh38, 1-based): chr6:75,102,637, C>T on the plus strand (G>A on the coding strand, the complement: COL12A1 is on the minus strand). VCF-style: chr6-75102637-C-T. GRCh37 (hg19) VCF-style: chr6-75812353-C-T.
Other names: c.4883G>A, p.Gly1628Asp (NM_080645.3); short protein forms G1628D, G2792D.
Identifiers: ClinVar variation 1355291 (VCV001355291.8), dbSNP rs1768358751, ClinGen allele CA364739557.